The following is an entry in ClinVar:

NC_000008.10:g.(100568882_100587885)_(100789185_100790909)del

Gene: VPS13B (vacuolar protein sorting 13 homolog B; plus strand). Cytogenetic location: 8q22.2.
Variant type: Deletion.
Identifiers: ClinVar variation 3366413 (VCV003366413.1).

ClinVar aggregate classification (germline): Pathogenic (1 of 4 stars; one submission).

Conditions:
Cohen syndrome (COH1). Also called: PEPPER SYNDROME; Cutis verticis gyrata, retinitis pigmentosa, and sensorineural deafness. Identifiers: Orphanet 193, MedGen C0265223, MONDO:0008999, OMIM 216550.

Submission:

Women's Health and Genetics/Laboratory Corporation of America, LabCorp
Classification: Pathogenic for Cohen syndrome. Last evaluated: 2024-08-07. Review status: criteria provided, single submitter. Criteria: LabCorp Variant Classification Summary - May 2015. Collection method: clinical testing. Allele origin: germline.
Comment: Variant summary: The variant involves the deletion of exons 32-41 in the VPS13B gene. A presumed nomenclature of c.(5024+1_5025-1)_(7504+1_7505-1)del has been designated for the purposes of this classification. This Copy Number Variant (CNV) is expected to alter the reading frame and predicted to result in a truncation or absence of the encoded protein due to nonsense mediated decay (NMD). The variant was absent in 21694 control chromosomes. To our knowledge, no occurrence of c.(5024+1_5025-1)_(7504+1_7505-1)del in individuals affected with Cohen Syndrome and no experimental evidence demonstrating its impact on protein function have been reported. No submitters have cited clinical-significance assessments for this variant to ClinVar. Based on the evidence outlined above, the variant was classified as pathogenic.